The following is an entry in ClinVar:

ClinVar aggregate classification (germline): Likely pathogenic (1 of 4 stars; one submission).

Submission:

Dasa
Classification: Likely pathogenic. Last evaluated: 2026-04-10. Review status: criteria provided, single submitter. Criteria: DASA Assertion Criteria. Collection method: clinical testing. Allele origin: germline.
Comment: NM_015271.5(TRIM2):c.1468C>T (p.Arg490*) is a nonsense variant in TRIM2 predicted to introduce a premature termination codon and is predicted to result in an absent or altered protein product. Loss of function is an established disease mechanism for TRIM2-associated disorders. Also, this variant is rare in population databases. Based on the currently available evidence, this variant is classified as likely pathogenic.

NM_015271.5(TRIM2):c.1468C>T (p.Arg490Ter)

Gene: TRIM2 (tripartite motif containing 2; plus strand). Cytogenetic location: 4q31.3.
Variant type: single nucleotide variant.
Coding change: c.1468C>T on transcript NM_015271.5 (MANE Select); coding-DNA position 1468, C replaced by T.
Protein change: p.Arg490Ter; replaces arginine 490 with a stop codon.
Molecular consequence: nonsense.
Genome position (GRCh38, 1-based): chr4:153,295,994, C>T. VCF-style: chr4-153295994-C-T. GRCh37 (hg19) VCF-style: chr4-154217146-C-T.
Other names: c.1387C>T, p.Arg463Ter (NM_001130067.2, NM_001351056.2, NM_001438045.1 and 10 more transcripts); c.1441C>T, p.Arg481Ter (NM_001351054.2); c.1438C>T, p.Arg480Ter (NM_001351055.2); c.1012C>T, p.Arg338Ter (NM_001351057.2); c.1561C>T, p.Arg521Ter (NM_001375488.1); c.1558C>T, p.Arg520Ter (NM_001375489.1); c.1411C>T, p.Arg471Ter (NM_001375490.1); c.1408C>T, p.Arg470Ter (NM_001375491.1); and 5 more; short protein forms R338*, R377*, R378*, R379*, R463*, R470*, R471*, R480*.
Identifiers: ClinVar variation 4886545 (VCV004886545.2).
Genomic context (GRCh38, chr4:153,295,994, plus strand): 5'-AGCGGCCACGTCAAGCAGAAAGCTGTGAAAAGACCCGCAAGCATGTACAGCACTGGAAAA[C>T]GAAAAGAGAATCCCATCGAAGACGATTTGATCTTTCGAGTGGGTAAGGAGAGGGCTTCTG-3'